The following is an entry in ClinVar:

NM_001281740.3(FHOD3):c.1514C>T (p.Ser505Phe)

Gene: FHOD3 (formin homology 2 domain containing 3; plus strand). Cytogenetic location: 18q12.2.
Variant type: single nucleotide variant.
Coding change: c.1514C>T on transcript NM_001281740.3 (MANE Select); coding-DNA position 1514, C replaced by T.
Protein change: p.Ser505Phe; replaces serine 505 with phenylalanine.
Molecular consequence: missense variant. On other transcripts: intron variant (2).
Genome position (GRCh38, 1-based): chr18:36,652,797, C>T. VCF-style: chr18-36652797-C-T. GRCh37 (hg19) VCF-style: chr18-34232760-C-T.
Other names: c.1197-5278C>T (NM_025135.5, NM_001281739.3); short protein forms S505F.
Identifiers: ClinVar variation 3895409 (VCV003895409.1), dbSNP rs532219022.
Genomic context (GRCh38, chr18:36,652,797, plus strand): 5'-CATCTGCCCTCCTGTCACCCCCTGCCTCAGCTGCTCGGCCCTCCTCCGCCACACCAGGCT[C>T]CCTGAAGGTGTCACCGACCATAGACAAGCTGCCCTACGTGCCCCACAGCCCCTTCCACCT-3'
Protein context (NP_001268669.1, residues 495-515): AARPSSATPG[Ser505Phe]LKVSPTIDKL

ClinVar aggregate classification (germline): Likely benign (1 of 4 stars; one submission).

gnomAD v4.1: 236 of 1,536,034 alleles (0.015%); highest among the groups gnomAD compares: South Asian, 0.27%; 5 homozygotes.

Submission:

Molecular Diagnostic Laboratory for Inherited Cardiovascular Disease, Montreal Heart Institute
Classification: Likely benign. Last evaluated: 2025-04-09. Review status: criteria provided, single submitter. Criteria: ACMG Guidelines, 2015. Collection method: clinical testing. Allele origin: germline. Affected: no.
Comment: BS1;BP4